The following is an entry in ClinVar:

NM_020066.5(FMN2):c.3099G>T (p.Pro1033=)

Gene: FMN2 (formin 2; plus strand). Cytogenetic location: 1q43.
Variant type: single nucleotide variant.
Coding change: c.3099G>T on transcript NM_020066.5 (MANE Select); coding-DNA position 3099, G replaced by T.
Protein change: p.Pro1033=; no amino-acid change (proline 1033 retained).
Molecular consequence: synonymous variant. On other transcripts: intron variant (1).
Genome position (GRCh38, 1-based): chr1:240,207,911, G>T. VCF-style: chr1-240207911-G-T. GRCh37 (hg19) VCF-style: chr1-240371211-G-T.
Other names: c.3111G>T, p.Pro1037= (NM_001305424.2); c.1986+19649G>T (NM_001348094.2).
Identifiers: ClinVar variation 3039785 (VCV003039785.2), dbSNP rs201587786, ClinGen allele CA39905961.

ClinVar aggregate classification (germline): Likely benign. Review status: criteria provided, multiple submitters, no conflicts (2 of 4 stars). 2 submissions from 2 submitters: Likely benign (2). Last evaluated 2024-11-20.

Conditions:
FMN2-related disorder. Also called: FMN2-related condition.

Allele frequency attached by ClinVar (database versions not stated): 1000 Genomes Project 0.18590.

Submissions (2):

Blueprint Genetics
Classification: Likely benign. Last evaluated: 2024-11-20. Review status: criteria provided, single submitter. Criteria: ACMG Guidelines, 2015. Collection method: clinical testing. Allele origin: germline.

PreventionGenetics, part of Exact Sciences
Classification: Likely benign for FMN2-related condition. Last evaluated: 2021-11-17. Review status: criteria provided, single submitter. Criteria: ACMG Guidelines, 2015. Collection method: clinical testing. Allele origin: germline.
Comment: This variant is classified as likely benign based on ACMG/AMP sequence variant interpretation guidelines (Richards et al. 2015 PMID: 25741868, with internal and published modifications).